The following is an entry in ClinVar:

NM_001035.3(RYR2):c.3977G>A (p.Gly1326Asp)

Genes: RYR2 (ryanodine receptor 2; plus strand), LOC126806067 (BRD4-independent group 4 enhancer GRCh37_chr1:237753258-237754457; plus strand). Cytogenetic location: 1q43.
Variant type: single nucleotide variant.
Coding change: c.3977G>A on transcript NM_001035.3 (MANE Select); coding-DNA position 3977, G replaced by A.
Protein change: p.Gly1326Asp; replaces glycine 1326 with aspartic acid.
Molecular consequence: missense variant.
Genome position (GRCh38, 1-based): chr1:237,590,809, G>A. VCF-style: chr1-237590809-G-A. GRCh37 (hg19) VCF-style: chr1-237754109-G-A.
Other names: short protein forms G1326D.
Identifiers: ClinVar variation 919794 (VCV000919794.7), dbSNP rs1675072837, ClinGen allele CA345397472.

ClinVar aggregate classification (germline): Uncertain significance. Review status: criteria provided, multiple submitters, no conflicts (2 of 4 stars). 2 submissions from 2 submitters: Uncertain significance (2). Last evaluated 2024-01-11.

Conditions:
Cardiomyopathy (CMYO). Also called: Cardiomyopathies. Identifiers: Orphanet 167848, MedGen C0878544, MONDO:0004994, HP:0001638. Inheritance: Various modes of inheritance.
Catecholaminergic polymorphic ventricular tachycardia 1. Also called: VENTRICULAR TACHYCARDIA, CATECHOLAMINERGIC POLYMORPHIC, 1, WITH OR WITHOUT ATRIAL DYSFUNCTION AND/OR DILATED CARDIOMYOPATHY; RYR2-Related Catecholaminergic Polymorphic Ventricular Tachycardia; VENTRICULAR TACHYCARDIA, STRESS-INDUCED POLYMORPHIC 1. Identifiers: Orphanet 3286, MedGen C1631597, MONDO:0011484, OMIM 604772.

Submissions (2):

Labcorp Genetics (formerly Invitae), Labcorp
Classification: Uncertain significance for Catecholaminergic polymorphic ventricular tachycardia 1. Last evaluated: 2024-01-11. Review status: criteria provided, single submitter. Criteria: Invitae Variant Classification Sherloc (09022015). Collection method: clinical testing. Allele origin: germline.
Comment: This sequence change replaces glycine, which is neutral and non-polar, with aspartic acid, which is acidic and polar, at codon 1326 of the RYR2 protein (p.Gly1326Asp). This variant is not present in population databases (gnomAD no frequency). This variant has not been reported in the literature in individuals affected with RYR2-related conditions. ClinVar contains an entry for this variant (Variation ID: 919794). Advanced modeling of protein sequence and biophysical properties (such as structural, functional, and spatial information, amino acid conservation, physicochemical variation, residue mobility, and thermodynamic stability) performed at Invitae indicates that this missense variant is not expected to disrupt RYR2 protein function with a negative predictive value of 95%. In summary, the available evidence is currently insufficient to determine the role of this variant in disease. Therefore, it has been classified as a Variant of Uncertain Significance.

Color Diagnostics, LLC DBA Color Health
Classification: Uncertain significance for Cardiomyopathy. Last evaluated: 2023-12-04. Review status: criteria provided, single submitter. Criteria: ACMG Guidelines, 2015. Collection method: clinical testing. Allele origin: germline.
Comment: This missense variant replaces glycine with aspartic acid at codon 1326 of the RYR2 protein. Computational prediction suggests that this variant may not impact protein structure and function (internally defined REVEL score threshold <= 0.5, PMID: 27666373). To our knowledge, functional studies have not been reported for this variant. This variant has not been reported in individuals affected with RYR2-related disorders in the literature. This variant has not been identified in the general population by the Genome Aggregation Database (gnomAD). The available evidence is insufficient to determine the role of this variant in disease conclusively. Therefore, this variant is classified as a Variant of Uncertain Significance.